The following is an entry in ClinVar:

ClinVar aggregate classification (germline): Uncertain significance (1 of 4 stars; one submission).

gnomAD v4.1: 2 of 1,614,160 alleles (0.00012%); highest among the groups gnomAD compares: Non-Finnish European, 0.00017%; no homozygotes.

Submission:

CeGaT Center for Human Genetics Tuebingen
Classification: Uncertain significance. Last evaluated: 2023-09-01. Review status: criteria provided, single submitter. Criteria: CeGaT Center For Human Genetics Tuebingen Variant Classification Criteria Version 2. Collection method: clinical testing. Allele origin: germline. Affected: yes. Observed: 1 variant allele.
Comment: SRCAP: PM2

NM_006662.3(SRCAP):c.8173A>C (p.Ser2725Arg)

Gene: SRCAP (Snf2 related CREBBP activator protein; plus strand). Cytogenetic location: 16p11.2.
Variant type: single nucleotide variant.
Coding change: c.8173A>C on transcript NM_006662.3 (MANE Select); coding-DNA position 8173, A replaced by C.
Protein change: p.Ser2725Arg; replaces serine 2725 with arginine.
Molecular consequence: missense variant.
Genome position (GRCh38, 1-based): chr16:30,738,213, A>C. VCF-style: chr16-30738213-A-C. GRCh37 (hg19) VCF-style: chr16-30749534-A-C.
Other names: short protein forms S2725R.
Identifiers: ClinVar variation 2646408 (VCV002646408.24), dbSNP rs761373575, ClinGen allele CA395636417.